The following is an entry in ClinVar:

ClinVar aggregate classification (germline): Pathogenic (1 of 4 stars; one submission).

Submission:

Labcorp Genetics (formerly Invitae), Labcorp
Classification: Pathogenic. Last evaluated: 2022-03-28. Review status: criteria provided, single submitter. Criteria: Invitae Variant Classification Sherloc (09022015). Collection method: clinical testing. Allele origin: germline.
Comment: This variant has not been reported in the literature in individuals affected with CDHR1-related conditions. This sequence change creates a premature translational stop signal (p.Lys556Glnfs*6) in the CDHR1 gene. It is expected to result in an absent or disrupted protein product. Loss-of-function variants in CDHR1 are known to be pathogenic (PMID: 23044944, 23591405, 26103963, 26261414). This variant is not present in population databases (gnomAD no frequency). Algorithms developed to predict the effect of sequence changes on RNA splicing suggest that this variant may disrupt the consensus splice site. For these reasons, this variant has been classified as Pathogenic.

Literature cited by the submitters: PubMed 23044944; PubMed 23591405; PubMed 26103963; PubMed 26261414.

NM_033100.4(CDHR1):c.1664dup (p.Lys556fs)

Gene: CDHR1 (cadherin related family member 1; plus strand). Cytogenetic location: 10q23.1.
Variant type: Duplication.
Coding change: c.1664dup on transcript NM_033100.4 (MANE Select); coding-DNA position 1664, one base duplicated (G; older notation c.1664dupG).
Protein change: p.Lys556fs; shifts the reading frame from lysine 556.
Molecular consequence: frameshift variant.
Genome position (GRCh38, 1-based): chr10:84,212,289, G duplicated; the last of 2 consecutive G bases (chr10:84,212,288-84,212,289); duplicating either gives the same sequence. VCF-style (leftmost placement, unchanged base first): chr10-84212287-A-AG. GRCh37 (hg19) VCF-style: chr10-85972043-A-AG.
Other names: c.1664dup, p.Lys556fs (NM_001171971.3); short protein forms K556fs.
Identifiers: ClinVar variation 2118979 (VCV002118979.4), dbSNP rs2492538753, ClinGen allele CA2580082343.